The following is an entry in ClinVar:

ClinVar aggregate classification (germline): Uncertain significance (1 of 4 stars; one submission).

Conditions:
Hereditary cancer-predisposing syndrome. Also called: Neoplastic Syndromes, Hereditary; Tumor predisposition; Hereditary neoplastic syndrome; Hereditary Cancer Syndrome. Identifiers: Orphanet 140162, MedGen C0027672, MeSH D009386, MONDO:0015356.

Allele frequency attached by ClinVar (database versions not stated): gnomAD exomes below 0.00001; gnomAD 0.00001.
gnomAD v4.1: 2 of 1,614,092 alleles (0.00012%); highest among the groups gnomAD compares: East Asian, 0.0045%; no homozygotes.

Submission:

Ambry Genetics
Classification: Uncertain significance for Hereditary cancer-predisposing syndrome. Last evaluated: 2022-11-29. Review status: criteria provided, single submitter. Criteria: Ambry Variant Classification Scheme 2023. Collection method: clinical testing. Allele origin: germline.
Comment: The p.Q1549H variant (also known as c.4647A>T), located in coding exon 15 of the APC gene, results from an A to T substitution at nucleotide position 4647. The glutamine at codon 1549 is replaced by histidine, an amino acid with highly similar properties. This amino acid position is not well conserved in available vertebrate species. In addition, in silico predictors for this gene do not accurately predict pathogenicity. Since supporting evidence is limited at this time, the clinical significance of this alteration remains unclear.

NM_000038.6(APC):c.4647A>T (p.Gln1549His)

Gene: APC (APC regulator of Wnt signaling pathway; plus strand). Cytogenetic location: 5q22.2.
Variant type: single nucleotide variant.
Coding change: c.4647A>T on transcript NM_000038.6 (MANE Select); coding-DNA position 4647, A replaced by T.
Protein change: p.Gln1549His; replaces glutamine 1549 with histidine.
Molecular consequence: missense variant. On other transcripts: non-coding transcript variant (2).
Genome position (GRCh38, 1-based): chr5:112,840,241, A>T. VCF-style: chr5-112840241-A-T. GRCh37 (hg19) VCF-style: chr5-112175938-A-T.
Other names: c.4647A>T, p.Gln1549His (NM_001127510.3, NM_001354895.2, NM_001407450.1); c.4593A>T, p.Gln1531His (NM_001127511.3); c.4701A>T, p.Gln1567His (NM_001354896.2, NM_001407447.1, NM_001407448.1 and 1 more transcripts); c.4677A>T, p.Gln1559His (NM_001354897.2); c.4572A>T, p.Gln1524His (NM_001354898.2); c.4563A>T, p.Gln1521His (NM_001354899.2); c.4524A>T, p.Gln1508His (NM_001354900.2); c.4470A>T, p.Gln1490His (NM_001354901.2, NM_001407453.1); and 11 more; short protein forms Q1423H, Q1448H, Q1490H, Q1524H, Q1549H, Q1577H, Q1266H, Q1458H.
Identifiers: ClinVar variation 2452682 (VCV002452682.2), dbSNP rs1580650685, ClinGen allele CA16031515.